The following is an entry in ClinVar:

NC_000003.12:g.169764852C>G

Genes: TERC (telomerase RNA component; minus strand), LOC110806306 (telomerase RNA component (TERC) promoter; plus strand). Cytogenetic location: 3q26.2.
Variant type: single nucleotide variant.
Genome position: GRCh38 VCF-style: chr3-169764852-C-G. GRCh37 (hg19) VCF-style: chr3-169482640-C-G.
Identifiers: ClinVar variation 653497 (VCV000653497.9), dbSNP rs1200725441, ClinGen allele CA436715408.

ClinVar aggregate classification (germline): Uncertain significance (1 of 4 stars; one submission).

Conditions:
Dyskeratosis congenita, autosomal dominant 1 (DKCA1). Also called: Dyskeratosis congenita Scoggins type. Identifiers: Orphanet 1775, MedGen C4551974, MONDO:0007485, OMIM 127550. Inheritance: Variable.

Submission:

Labcorp Genetics (formerly Invitae), Labcorp
Classification: Uncertain significance for Dyskeratosis congenita, autosomal dominant 1. Last evaluated: 2022-02-11. Review status: criteria provided, single submitter. Criteria: Invitae Variant Classification Sherloc (09022015). Collection method: clinical testing. Allele origin: germline.
Comment: ClinVar contains an entry for this variant (Variation ID: 653497). This variant has not been reported in the literature in individuals affected with TERC-related conditions. This variant is not present in population databases (gnomAD no frequency). This variant occurs in the TERC gene, which encodes an RNA molecule that does not result in a protein product. This variant is located within the hypervariable region that is not conserved in the TERC RNA component (PMID: 10721988, 21844345). The functional significance of this region is not well understood. In summary, the available evidence is currently insufficient to determine the role of this variant in disease. Therefore, it has been classified as a Variant of Uncertain Significance.

Literature cited by the submitters: PubMed 10721988; PubMed 21844345.